The following is an entry in ClinVar:

ClinVar aggregate classification (germline): Uncertain significance (1 of 4 stars; one submission).

Submission:

Women's Health and Genetics/Laboratory Corporation of America, LabCorp
Classification: Uncertain significance. Last evaluated: 2026-03-23. Review status: criteria provided, single submitter. Criteria: LabCorp Variant Classification Summary - May 2015. Collection method: clinical testing. Allele origin: germline.
Comment: Variant summary: The variant involves the duplication of exons 1-33 in the DOCK8 gene. A presumed nomenclature of c.(?_-113)_(4241+1_4242-1)dup has been designated for the purposes of this classification. The exact breakpoint at the 5' end of this variant is unknown, therefore this duplication may extend upstream of the annotated region of this gene. It is predicted to duplicate a segment including the initiation codon, therefore its impact on the encoded protein is unknown. The variant was absent in 21694 control chromosomes. The available data on variant occurrences in the general population are insufficient to allow any conclusion about variant significance. To our knowledge, no occurrence of c.(?_-113)_(4241+1_4242-1)dup in individuals affected with DOCK8-related conditions and no experimental evidence demonstrating its impact on protein function have been reported. ClinVar contains an entry for this variant (Variation ID: 651254). Based on the evidence outlined above, the variant was classified as uncertain significance.

NC_000009.11:g.(?_214864)_(422136_426884)dup

Genes: DOCK8 (dedicator of cytokinesis 8; plus strand), DOCK8-AS1 (DOCK8 antisense RNA 1; minus strand). Cytogenetic location: 9p24.3.
Variant type: Duplication.
Identifiers: ClinVar variation 4847754 (VCV004847754.1).